The following is an entry in ClinVar:

ClinVar aggregate classification (germline): Uncertain significance (1 of 4 stars; one submission).

Conditions:
Charcot-Marie-Tooth disease type 2. Also called: Charcot-Marie-Tooth type 2. Identifiers: Orphanet 64746, MedGen C0270914, MONDO:0018993.

Submission:

Labcorp Genetics (formerly Invitae), Labcorp
Classification: Uncertain significance for Charcot-Marie-Tooth disease type 2. Last evaluated: 2022-07-12. Review status: criteria provided, single submitter. Criteria: Invitae Variant Classification Sherloc (09022015). Collection method: clinical testing. Allele origin: germline.
Comment: In summary, the available evidence is currently insufficient to determine the role of this variant in disease. Therefore, it has been classified as a Variant of Uncertain Significance. This sequence change replaces glutamine, which is neutral and polar, with glutamic acid, which is acidic and polar, at codon 30 of the LMNA protein (p.Gln30Glu). This variant is not present in population databases (gnomAD no frequency). This variant has not been reported in the literature in individuals affected with LMNA-related conditions. ClinVar contains an entry for this variant (Variation ID: 1442001). Algorithms developed to predict the effect of missense changes on protein structure and function (SIFT, PolyPhen-2, Align-GVGD) all suggest that this variant is likely to be disruptive.

NM_170707.4(LMNA):c.88C>G (p.Gln30Glu)

Genes: LMNA (lamin A/C; plus strand), LOC129931597 (ATAC-STARR-seq lymphoblastoid silent region 1421; plus strand). Cytogenetic location: 1q22.
Variant type: single nucleotide variant.
Coding change: c.88C>G on transcript NM_170707.4 (MANE Select); coding-DNA position 88, C replaced by G.
Protein change: p.Gln30Glu; replaces glutamine 30 with glutamic acid.
Molecular consequence: missense variant.
Genome position (GRCh38, 1-based): chr1:156,115,006, C>G. VCF-style: chr1-156115006-C-G. GRCh37 (hg19) VCF-style: chr1-156084797-C-G.
Other names: c.88C>G, p.Gln30Glu (NM_001282625.2, NM_001282626.2, NM_005572.4 and 1 more transcripts); short protein forms Q30E.
Identifiers: ClinVar variation 1442001 (VCV001442001.6), dbSNP rs2102817413, ClinGen allele CA342807364.